The following is an entry in ClinVar:

ClinVar aggregate classification (germline): Likely benign (0 of 4 stars; one submission).

Conditions:
LAMC1-related disorder. Also called: LAMC1-related condition.

Allele frequency attached by ClinVar (database versions not stated): gnomAD 0.00005; TOPMed 0.00005; ESP Exome Variant Server 0.00008; gnomAD exomes 0.00014; ExAC 0.00027.
gnomAD v4.1: 207 of 1,611,274 alleles (0.013%); highest among the groups gnomAD compares: Non-Finnish European, 0.015%; 1 homozygote.

Submission:

PreventionGenetics, part of Exact Sciences
Classification: Likely benign for LAMC1-related condition. Last evaluated: 2019-05-30. Review status: no assertion criteria provided. Collection method: clinical testing. Allele origin: germline.
Comment: This variant is classified as likely benign based on ACMG/AMP sequence variant interpretation guidelines (Richards et al. 2015 PMID: 25741868, with internal and published modifications).

NM_002293.4(LAMC1):c.3280+4C>T

Gene: LAMC1 (laminin subunit gamma 1; plus strand). Cytogenetic location: 1q25.3.
Variant type: single nucleotide variant.
Coding change: c.3280+4C>T on transcript NM_002293.4 (MANE Select); 4 bases into the intron after coding-DNA position 3280, C replaced by T.
Molecular consequence: intron variant.
Genome position (GRCh38, 1-based): chr1:183,128,754, C>T. VCF-style: chr1-183128754-C-T. GRCh37 (hg19) VCF-style: chr1-183097889-C-T.
Identifiers: ClinVar variation 3044661 (VCV003044661.2), dbSNP rs373354708, ClinGen allele CA1281611.